The following is an entry in ClinVar:

NM_020919.4(ALS2):c.1249T>C (p.Ser417Pro)

Gene: ALS2 (alsin Rho guanine nucleotide exchange factor ALS2; minus strand). Cytogenetic location: 2q33.1.
Variant type: single nucleotide variant.
Coding change: c.1249T>C on transcript NM_020919.4 (MANE Select); coding-DNA position 1249, T replaced by C.
Protein change: p.Ser417Pro; replaces serine 417 with proline.
Molecular consequence: missense variant.
Genome position (GRCh38, 1-based): chr2:201,757,624, A>G on the plus strand (T>C on the coding strand, the complement: ALS2 is on the minus strand). VCF-style: chr2-201757624-A-G. GRCh37 (hg19) VCF-style: chr2-202622347-A-G.
Other names: short protein forms S417P.
Identifiers: ClinVar variation 1430493 (VCV001430493.8), dbSNP rs1224213694, ClinGen allele CA350326942.

ClinVar aggregate classification (germline): Uncertain significance (1 of 4 stars; one submission).

Conditions:
Infantile-onset ascending hereditary spastic paralysis (IAHSP). Also called: Infantile-Onset Ascending Hereditary Spastic Paralysis (IAHSP); Autosomal Recessive Juvenile Amyotrophic Lateral Sclerosis. Identifiers: Orphanet 293168, MedGen C2931441, MONDO:0011797, OMIM 607225. Disease mechanism: loss of function.

Allele frequency attached by ClinVar (database versions not stated): TOPMed below 0.00001; gnomAD 0.00001; gnomAD exomes 0.00001.
gnomAD v4.1: 13 of 1,614,054 alleles (0.00081%); highest among the groups gnomAD compares: Non-Finnish European, 0.001%; no homozygotes.

Submission:

Labcorp Genetics (formerly Invitae), Labcorp
Classification: Uncertain significance for Infantile-onset ascending hereditary spastic paralysis. Last evaluated: 2021-05-30. Review status: criteria provided, single submitter. Criteria: Invitae Variant Classification Sherloc (09022015). Collection method: clinical testing. Allele origin: germline.
Comment: In summary, the available evidence is currently insufficient to determine the role of this variant in disease. Therefore, it has been classified as a Variant of Uncertain Significance. Algorithms developed to predict the effect of missense changes on protein structure and function are either unavailable or do not agree on the potential impact of this missense change (SIFT: "Tolerated"; PolyPhen-2: "Probably Damaging"; Align-GVGD: "Class C0"). This variant has not been reported in the literature in individuals with ALS2-related conditions. This variant is not present in population databases (ExAC no frequency). This sequence change replaces serine with proline at codon 417 of the ALS2 protein (p.Ser417Pro). The serine residue is moderately conserved and there is a moderate physicochemical difference between serine and proline.